The following is an entry in ClinVar:

NM_173630.4(RTTN):c.71G>C (p.Ser24Thr)

Gene: RTTN (rotatin; minus strand). Cytogenetic location: 18q22.2.
Variant type: single nucleotide variant.
Coding change: c.71G>C on transcript NM_173630.4 (MANE Select); coding-DNA position 71, G replaced by C.
Protein change: p.Ser24Thr; replaces serine 24 with threonine.
Molecular consequence: missense variant. On other transcripts: 5 prime UTR variant (1).
Genome position (GRCh38, 1-based): chr18:70,205,276, C>G on the plus strand (G>C on the coding strand, the complement: RTTN is on the minus strand). VCF-style: chr18-70205276-C-G. GRCh37 (hg19) VCF-style: chr18-67872512-C-G.
Other names: c.-2483G>C (NM_001318520.2); short protein forms S24T.
Identifiers: ClinVar variation 1495419 (VCV001495419.3), dbSNP rs374232490, ClinGen allele CA8996590.
Genomic context (GRCh38, chr18:70,205,276, plus strand): 5'-TGCCTCTCCTGAATGAGATCAGCGTAGCAGATTAAGTTGTGCTCAATCTTGCAGAGAATA[C>G]TCTTGAGAGCGCGCTCCCTGATCTCGGCCAGCTGATGACCTGTCAACGAACGGCACAAAA-3'
Protein context (NP_775901.3, residues 14-34): LAEIRERALK[Ser24Thr]ILCKIEHNLI

ClinVar aggregate classification (germline): Uncertain significance (1 of 4 stars; one submission).

Allele frequency attached by ClinVar (database versions not stated): TOPMed below 0.00001; gnomAD exomes 0.00001; ESP Exome Variant Server 0.00008.
gnomAD v4.1: 20 of 1,614,108 alleles (0.0012%); highest among the groups gnomAD compares: Middle Eastern, 0.016%; no homozygotes.

Submission:

Labcorp Genetics (formerly Invitae), Labcorp
Classification: Uncertain significance. Last evaluated: 2022-03-29. Review status: criteria provided, single submitter. Criteria: Invitae Variant Classification Sherloc (09022015). Collection method: clinical testing. Allele origin: germline.
Comment: This sequence change replaces serine, which is neutral and polar, with threonine, which is neutral and polar, at codon 24 of the RTTN protein (p.Ser24Thr). This variant is present in population databases (rs374232490, gnomAD 0.008%). This variant has not been reported in the literature in individuals affected with RTTN-related conditions. Algorithms developed to predict the effect of missense changes on protein structure and function output the following: SIFT: "Tolerated"; PolyPhen-2: "Benign"; Align-GVGD: "Class C0". The threonine amino acid residue is found in multiple mammalian species, which suggests that this missense change does not adversely affect protein function. In summary, the available evidence is currently insufficient to determine the role of this variant in disease. Therefore, it has been classified as a Variant of Uncertain Significance.